The following is an entry in ClinVar:

ClinVar aggregate classification (germline): Uncertain significance (1 of 4 stars; one submission).

Conditions:
Hereditary cancer-predisposing syndrome. Also called: Hereditary Cancer Syndrome; Hereditary neoplastic syndrome; Tumor predisposition; Neoplastic Syndromes, Hereditary. Identifiers: Orphanet 140162, MedGen C0027672, MeSH D009386, MONDO:0015356.

Submission:

Ambry Genetics
Classification: Uncertain significance for Hereditary cancer-predisposing syndrome. Last evaluated: 2022-09-04. Review status: criteria provided, single submitter. Criteria: Ambry Variant Classification Scheme 2023. Collection method: clinical testing. Allele origin: germline.
Comment: The p.F792L variant (also known as c.2376T>A), located in coding exon 10 of the BLM gene, results from a T to A substitution at nucleotide position 2376. The phenylalanine at codon 792 is replaced by leucine, an amino acid with highly similar properties. This amino acid position is conserved. In addition, this alteration is predicted to be tolerated by in silico analysis. Since supporting evidence is limited at this time, the clinical significance of this alteration remains unclear.

NM_000057.4(BLM):c.2376T>A (p.Phe792Leu)

Gene: BLM (BLM RecQ like helicase; plus strand). Cytogenetic location: 15q26.1.
Variant type: single nucleotide variant.
Coding change: c.2376T>A on transcript NM_000057.4 (MANE Select); coding-DNA position 2376, T replaced by A.
Protein change: p.Phe792Leu; replaces phenylalanine 792 with leucine.
Molecular consequence: missense variant.
Genome position (GRCh38, 1-based): chr15:90,769,201, T>A. VCF-style: chr15-90769201-T-A. GRCh37 (hg19) VCF-style: chr15-91312431-T-A.
Other names: c.2376T>A, p.Phe792Leu (NM_001287246.2, NM_001287247.2); c.1251T>A, p.Phe417Leu (NM_001287248.2); short protein forms F417L, F792L.
Identifiers: ClinVar variation 1790365 (VCV001790365.2), dbSNP rs2505454768, ClinGen allele CA393845164.